The following is an entry in ClinVar:

ClinVar aggregate classification (germline): Conflicting classifications of pathogenicity. Review status: criteria provided, conflicting classifications (1 of 4 stars). 5 submissions from 5 submitters: Uncertain significance (3); Likely benign (2). Last evaluated 2026-05-27.

Conditions:
AARS1-related disorder. Also called: AARS1-related condition.
Inborn genetic diseases. Identifiers: MedGen C0950123, MeSH D030342.
Developmental and epileptic encephalopathy, 29 (DEE29). Also called: Epileptic encephalopathy, early infantile, 29. Identifiers: Orphanet 442835, MedGen C4225361, MONDO:0014593, OMIM 616339.
Charcot-Marie-Tooth disease axonal type 2N (CMT2N). Also called: CHARCOT-MARIE-TOOTH DISEASE, AXONAL, AUTOSOMAL DOMINANT, TYPE 2N; CHARCOT-MARIE-TOOTH NEUROPATHY, AXONAL, TYPE 2N; Charcot-Marie-Tooth Neuropathy Type 2N. Identifiers: Orphanet 228174, MedGen C2750090, MONDO:0013212, OMIM 613287.
Charcot-Marie-Tooth disease type 2. Also called: Charcot-Marie-Tooth type 2. Identifiers: Orphanet 64746, MedGen C0270914, MONDO:0018993.

Allele frequency attached by ClinVar (database versions not stated): TOPMed 0.00004; gnomAD 0.00005; gnomAD exomes 0.00005 and 0.00008; ESP Exome Variant Server 0.00008; ExAC 0.00009; 1000 Genomes Project 30x 0.00016; 1000 Genomes Project 0.00020.
gnomAD v4.1: 79 of 1,613,434 alleles (0.0049%); highest among the groups gnomAD compares: East Asian, 0.013%; no homozygotes.

Submissions (5):

PreventionGenetics, part of Exact Sciences
Classification: Uncertain significance for AARS1-related condition. Last evaluated: 2026-05-27. Review status: criteria provided, single submitter. Criteria: ACMG Guidelines, 2015. Collection method: clinical testing. Allele origin: germline.
Comment: The AARS1 c.2186G>A variant is predicted to result in the amino acid substitution p.Arg729Gln. This variant has been reported in an individual with with autism from a large cohort analysis; however, additional evidence for pathogenicity was not provided (Supp. Data 1, Zhou et al. 2022. PubMed ID: 35982159). This variant is reported in 0.035% of alleles in individuals of East Asian descent in gnomAD. At this time, the clinical significance of this variant is uncertain due to the absence of conclusive functional and genetic evidence.

Labcorp Genetics (formerly Invitae), Labcorp
Classification: Likely benign for Charcot-Marie-Tooth disease type 2. Last evaluated: 2025-04-18. Review status: criteria provided, single submitter. Criteria: Invitae Variant Classification Sherloc (09022015). Collection method: clinical testing. Allele origin: germline.

Ambry Genetics
Classification: Likely benign for Inborn genetic diseases. Last evaluated: 2022-06-09. Review status: criteria provided, single submitter. Criteria: Ambry Variant Classification Scheme 2023. Collection method: clinical testing. Allele origin: germline.

Fulgent Genetics
Classification: Uncertain significance for Charcot-Marie-Tooth disease axonal type 2N; Developmental and epileptic encephalopathy, 29. Last evaluated: 2018-10-31. Review status: criteria provided, single submitter. Criteria: ACMG Guidelines, 2015. Collection method: clinical testing. Allele origin: unknown.

GeneDx
Classification: Uncertain significance. Last evaluated: 2016-07-29. Review status: criteria provided, single submitter. Criteria: GeneDx Variant Classification (06012015). Collection method: clinical testing. Allele origin: germline. Affected: yes.
Comment: The R729Q has been reported in an individual with an inherited neuropathy, however it was also reported in control individuals (SchabhÃ¼ttl et al., 2014). It was not observed with any significant frequency in approximately 6,500 individuals of European and African American ancestry in the NHLBI Exome Sequencing Project, nor with any significant frequency in the 1000 Genomes Project. The R729Q variant is a semi-conservative amino acid substitution, which may impact secondary protein structure as these residues differ in some properties. However, this substitution occurs at a position that is not conserved, and in silico analysis is inconsistent in its predictions as to whether or not the variant is damaging to the protein structure/function. Therefore, based on the currently available information, it is unclear whether this variant is a pathogenic variant or a rare benign variant.

NM_001605.3(AARS1):c.2186G>A (p.Arg729Gln)

Gene: AARS1 (alanyl-tRNA synthetase 1; minus strand). Cytogenetic location: 16q22.1.
Variant type: single nucleotide variant.
Coding change: c.2186G>A on transcript NM_001605.3 (MANE Select); coding-DNA position 2186, G replaced by A.
Protein change: p.Arg729Gln; replaces arginine 729 with glutamine.
Molecular consequence: missense variant.
Genome position (GRCh38, 1-based): chr16:70,255,828, C>T on the plus strand (G>A on the coding strand, the complement: AARS1 is on the minus strand). VCF-style: chr16-70255828-C-T. GRCh37 (hg19) VCF-style: chr16-70289731-C-T.
Other names: short protein forms R729Q.
Identifiers: ClinVar variation 246063 (VCV000246063.12), dbSNP rs142850278, ClinGen allele CA8140522.